The following is an entry in ClinVar:

ClinVar aggregate classification (germline): Uncertain significance (1 of 4 stars; one submission).

Conditions:
Familial cancer of breast. Also called: hereditary breast carcinoma; BREAST CANCER, FAMILIAL; Hereditary breast cancer. Identifiers: Orphanet 227535, MedGen C0346153, MONDO:0016419, OMIM 114480. Disease mechanism: loss of function.

gnomAD v4.1: 1 of 1,613,966 alleles (0.000062%); no homozygotes.

Submission:

Labcorp Genetics (formerly Invitae), Labcorp
Classification: Uncertain significance for Familial cancer of breast. Last evaluated: 2025-01-28. Review status: criteria provided, single submitter. Criteria: Invitae Variant Classification Sherloc (09022015). Collection method: clinical testing. Allele origin: germline.
Comment: This sequence change replaces alanine, which is neutral and non-polar, with proline, which is neutral and non-polar, at codon 41 of the PALB2 protein (p.Ala41Pro). This variant is not present in population databases (gnomAD no frequency). This variant has not been reported in the literature in individuals affected with PALB2-related conditions. ClinVar contains an entry for this variant (Variation ID: 1403275). An algorithm developed to predict the effect of missense changes on protein structure and function (PolyPhen-2) suggests that this variant is likely to be disruptive. In summary, the available evidence is currently insufficient to determine the role of this variant in disease. Therefore, it has been classified as a Variant of Uncertain Significance.

NM_024675.4(PALB2):c.121G>C (p.Ala41Pro)

Gene: PALB2 (partner and localizer of BRCA2; minus strand). Cytogenetic location: 16p12.2.
Variant type: single nucleotide variant.
Coding change: c.121G>C on transcript NM_024675.4 (MANE Select); coding-DNA position 121, G replaced by C.
Protein change: p.Ala41Pro; replaces alanine 41 with proline.
Molecular consequence: missense variant.
Genome position (GRCh38, 1-based): chr16:23,637,940, C>G on the plus strand (G>C on the coding strand, the complement: PALB2 is on the minus strand). VCF-style: chr16-23637940-C-G. GRCh37 (hg19) VCF-style: chr16-23649261-C-G.
Other names: short protein forms A41P.
Identifiers: ClinVar variation 1403275 (VCV001403275.9), dbSNP rs2142457610, ClinGen allele CA395139416.